The following is an entry in ClinVar:

ClinVar aggregate classification (germline): Pathogenic. Review status: criteria provided, multiple submitters, no conflicts (2 of 4 stars). 2 submissions from 2 submitters: Pathogenic (2). Last evaluated 2024-10-03.

Conditions:
Alstrom syndrome (ALMS). Identifiers: Orphanet 64, MedGen C0268425, MONDO:0008763, OMIM 203800.

Allele frequency attached by ClinVar (database versions not stated): gnomAD exomes 0.00001.
gnomAD v4.1: 5 of 1,613,342 alleles (0.00031%); highest among the groups gnomAD compares: East Asian, 0.0022%; no homozygotes.

Submissions (2):

Natera, Inc.
Classification: Pathogenic for Alstrom syndrome. Last evaluated: 2024-10-03. Review status: criteria provided, single submitter. Criteria: Natera Variant Classification Schema (03/2026). Collection method: clinical testing. Allele origin: germline.
Comment: The c.7436C>G variant in ALMS1 is a nonsense variant predicted to introduce a stop codon at amino acid 2479. This variant is expected to result in nonsense mediated decay, truncation, or a dysfunctional protein product. This variant is rare in the general population with a frequency below the threshold expected for the associated phenotype(s). This variant has been observed in one or more individuals affected with the associated recessive disease, as either homozygous or compound heterozygous with a second variant (PMID: 24049434). Additionally, this variant has been observed to segregate in affected family members (PMID: 24049434). Given the available evidence, this variant is classified as Pathogenic.

Labcorp Genetics (formerly Invitae), Labcorp
Classification: Pathogenic for Alstrom syndrome. Last evaluated: 2023-10-22. Review status: criteria provided, single submitter. Criteria: Invitae Variant Classification Sherloc (09022015). Collection method: clinical testing. Allele origin: germline.
Comment: This sequence change creates a premature translational stop signal (p.Ser2479*) in the ALMS1 gene. It is expected to result in an absent or disrupted protein product. Loss-of-function variants in ALMS1 are known to be pathogenic (PMID: 17594715). This variant is present in population databases (no rsID available, gnomAD 0.007%). This premature translational stop signal has been observed in individual(s) with Alstrom syndrome (PMID: 24049434). ClinVar contains an entry for this variant (Variation ID: 849601). Algorithms developed to predict the effect of sequence changes on RNA splicing suggest that this variant may disrupt the consensus splice site. For these reasons, this variant has been classified as Pathogenic.

Literature cited by the submitters: PubMed 24049434 (cited by Natera, Inc. and Labcorp Genetics (formerly Invitae), Labcorp); PubMed 17594715 (cited by Labcorp Genetics (formerly Invitae), Labcorp).

NM_001378454.1(ALMS1):c.7433C>G (p.Ser2478Ter)

Gene: ALMS1 (ALMS1 centrosome and basal body associated protein; plus strand). Cytogenetic location: 2p13.1.
Variant type: single nucleotide variant.
Coding change: c.7433C>G on transcript NM_001378454.1 (MANE Select); coding-DNA position 7433, C replaced by G.
Protein change: p.Ser2478Ter; replaces serine 2478 with a stop codon.
Molecular consequence: nonsense.
Genome position (GRCh38, 1-based): chr2:73,453,960, C>G. VCF-style: chr2-73453960-C-G. GRCh37 (hg19) VCF-style: chr2-73681087-C-G.
Other names: c.7436C>G, p.Ser2479Ter (NM_015120.4); short protein forms S2478*, S2479*.
Identifiers: ClinVar variation 849601 (VCV000849601.12), dbSNP rs1303829798, ClinGen allele CA347292462.